The following is an entry in ClinVar:

NM_025137.4(SPG11):c.3893C>G (p.Ala1298Gly)

Gene: SPG11 (SPG11 vesicle trafficking associated, spatacsin; minus strand). Cytogenetic location: 15q21.1.
Variant type: single nucleotide variant.
Coding change: c.3893C>G on transcript NM_025137.4 (MANE Select); coding-DNA position 3893, C replaced by G.
Protein change: p.Ala1298Gly; replaces alanine 1298 with glycine.
Molecular consequence: missense variant.
Genome position (GRCh38, 1-based): chr15:44,598,373, G>C on the plus strand (C>G on the coding strand, the complement: SPG11 is on the minus strand). VCF-style: chr15-44598373-G-C. GRCh37 (hg19) VCF-style: chr15-44890571-G-C.
Other names: c.3893C>G, p.Ala1298Gly (NM_001160227.2, NM_001411132.1); short protein forms A1298G.
Identifiers: ClinVar variation 2168843 (VCV002168843.4), dbSNP rs768718170, ClinGen allele CA392229891.

ClinVar aggregate classification (germline): Uncertain significance (1 of 4 stars; one submission).

Conditions:
Hereditary spastic paraplegia 11. Also called: Nakamura Osame syndrome; Autosomal recessive hereditary spastic paraplegia, mental impairment, and thin corpus callosum; SPASTIC PARAPLEGIA, AUTOSOMAL RECESSIVE, COMPLICATED, WITH THIN CORPUS CALLOSUM; SPASTIC PARAPLEGIA, AUTOSOMAL RECESSIVE, WITH MENTAL IMPAIRMENT AND THIN CORPUS CALLOSUM; Spastic Paraplegia 11; Spastic paraplegia, mental retardation and thin corpus callosum. Identifiers: Orphanet 2822, MedGen C1858479, MONDO:0011445, OMIM 604360.

gnomAD v4.1: 2 of 1,612,924 alleles (0.00012%); highest among the groups gnomAD compares: East Asian, 0.0022%; no homozygotes.

Submission:

Labcorp Genetics (formerly Invitae), Labcorp
Classification: Uncertain significance for Hereditary spastic paraplegia 11. Last evaluated: 2022-05-26. Review status: criteria provided, single submitter. Criteria: Invitae Variant Classification Sherloc (09022015). Collection method: clinical testing. Allele origin: germline.
Comment: In summary, the available evidence is currently insufficient to determine the role of this variant in disease. Therefore, it has been classified as a Variant of Uncertain Significance. Algorithms developed to predict the effect of sequence changes on RNA splicing suggest that this variant is not likely to affect RNA splicing. Algorithms developed to predict the effect of missense changes on protein structure and function are either unavailable or do not agree on the potential impact of this missense change (SIFT: "Tolerated"; PolyPhen-2: "Probably Damaging"; Align-GVGD: "Class C0"). This variant has not been reported in the literature in individuals affected with SPG11-related conditions. This variant is present in population databases (no rsID available, gnomAD 0.006%). This sequence change replaces alanine, which is neutral and non-polar, with glycine, which is neutral and non-polar, at codon 1298 of the SPG11 protein (p.Ala1298Gly).